The following is an entry in ClinVar:

NM_015331.3(NCSTN):c.694C>T (p.Arg232Trp)

Gene: NCSTN (nicastrin; plus strand). Cytogenetic location: 1q23.2.
Variant type: single nucleotide variant.
Coding change: c.694C>T on transcript NM_015331.3 (MANE Select); coding-DNA position 694, C replaced by T.
Protein change: p.Arg232Trp; replaces arginine 232 with tryptophan.
Molecular consequence: missense variant. On other transcripts: intron variant (1).
Genome position (GRCh38, 1-based): chr1:160,351,333, C>T. VCF-style: chr1-160351333-C-T. GRCh37 (hg19) VCF-style: chr1-160321123-C-T.
Other names: c.694C>T (NM_015331.2); c.634C>T, p.Arg212Trp (NM_001290184.2); c.694C>T, p.Arg232Trp (NM_001349729.2); c.582+1083C>T (NM_001290186.2); short protein forms R212W, R232W.
Identifiers: ClinVar variation 1383529 (VCV001383529.9), dbSNP rs778504458, ClinGen allele CA1198779.
Genomic context (GRCh38, chr1:160,351,333, plus strand): 5'-CTATGTGCCATGCAGCTCTTTTCACACATGCATGCTGTCATCAGCACTGCCACCTGCATG[C>T]GGCGCAGCTCCATCCAAAGCACCTTCAGCATCAACCCAGGTAGGGCAGATCCGAACCATG-3'
Protein context (NP_056146.1, residues 222-242): HAVISTATCM[Arg232Trp]RSSIQSTFSI

ClinVar aggregate classification (germline): Uncertain significance. Review status: criteria provided, multiple submitters, no conflicts (2 of 4 stars). 2 submissions from 2 submitters: Uncertain significance (2). Last evaluated 2025-12-02.

Conditions:
Inborn genetic diseases. Identifiers: MedGen C0950123, MeSH D030342.

Allele frequency attached by ClinVar (database versions not stated): gnomAD exomes below 0.00001; TOPMed below 0.00001; gnomAD 0.00001; ExAC 0.00002.

Submissions (2):

Ambry Genetics
Classification: Uncertain significance for Inborn genetic diseases. Last evaluated: 2025-12-02. Review status: criteria provided, single submitter. Criteria: Ambry Variant Classification Scheme 2023. Collection method: clinical testing. Allele origin: germline.

Labcorp Genetics (formerly Invitae), Labcorp
Classification: Uncertain significance. Last evaluated: 2021-05-12. Review status: criteria provided, single submitter. Criteria: Invitae Variant Classification Sherloc (09022015). Collection method: clinical testing. Allele origin: germline.
Comment: In summary, the available evidence is currently insufficient to determine the role of this variant in disease. Therefore, it has been classified as a Variant of Uncertain Significance. Algorithms developed to predict the effect of missense changes on protein structure and function are either unavailable or do not agree on the potential impact of this missense change (SIFT: "Deleterious"; PolyPhen-2: "Probably Damaging"; Align-GVGD: "Class C0"). This variant has not been reported in the literature in individuals with NCSTN-related conditions. This variant is present in population databases (rs778504458, ExAC 0.02%). This sequence change replaces arginine with tryptophan at codon 232 of the NCSTN protein (p.Arg232Trp). The arginine residue is highly conserved and there is a moderate physicochemical difference between arginine and tryptophan.